The following is an entry in ClinVar:

NM_004525.3(LRP2):c.11092G>A (p.Val3698Met)

Gene: LRP2 (LDL receptor related protein 2; minus strand). Cytogenetic location: 2q31.1.
Variant type: single nucleotide variant.
Coding change: c.11092G>A on transcript NM_004525.3 (MANE Select); coding-DNA position 11092, G replaced by A.
Protein change: p.Val3698Met; replaces valine 3698 with methionine.
Molecular consequence: missense variant.
Genome position (GRCh38, 1-based): chr2:169,173,147, C>T on the plus strand (G>A on the coding strand, the complement: LRP2 is on the minus strand). VCF-style: chr2-169173147-C-T. GRCh37 (hg19) VCF-style: chr2-170029657-C-T.
Other names: p.Val3698Met; short protein forms V3698M.
Identifiers: ClinVar variation 129492 (VCV000129492.68), dbSNP rs34355135, ClinGen allele CA231242.

ClinVar aggregate classification (germline): Benign/Likely benign. Review status: criteria provided, multiple submitters, no conflicts (2 of 4 stars). 12 submissions from 12 submitters: Benign (5); Likely benign (7). Last evaluated 2026-09-01.

Conditions:
Donnai-Barrow syndrome. Also called: DBS/FOAR SYNDROME; FACIOOCULOACOUSTICORENAL SYNDROME. Identifiers: Orphanet 2143, MedGen C1857277, MONDO:0009104, OMIM 222448.

Allele frequency attached by ClinVar (database versions not stated): ExAC 0.00550; gnomAD 0.00560 and 0.00561; ESP Exome Variant Server 0.00569; TOPMed 0.00574; gnomAD exomes 0.00589 and 0.00595; 1000 Genomes Project 0.00379; 1000 Genomes Project 30x 0.00390.
gnomAD v4.1: 9,533 of 1,614,150 alleles (0.59%); highest among the groups gnomAD compares: Middle Eastern, 1.5%; 49 homozygotes.

Submissions (12):

CeGaT Center for Human Genetics Tuebingen
Classification: Likely benign. Last evaluated: 2026-09-01. Review status: criteria provided, single submitter. Criteria: CeGaT Center For Human Genetics Tuebingen Variant Classification Criteria Version 2. Collection method: clinical testing. Allele origin: germline. Affected: yes. Observed: 52 variant alleles.
Comment: LRP2: BS2

Labcorp Genetics (formerly Invitae), Labcorp
Classification: Benign. Last evaluated: 2026-02-03. Review status: criteria provided, single submitter. Criteria: Invitae Variant Classification Sherloc (09022015). Collection method: clinical testing. Allele origin: germline.

Mayo Clinic Laboratories, Mayo Clinic
Classification: Benign. Last evaluated: 2025-06-18. Review status: criteria provided, single submitter. Criteria: ACMG Guidelines, 2015. Collection method: clinical testing. Allele origin: germline. Observed: 2 variant alleles.
Comment: BS1, BS2

Fulgent Genetics
Classification: Likely benign for Donnai-Barrow syndrome. Last evaluated: 2021-07-16. Review status: criteria provided, single submitter. Criteria: ACMG Guidelines, 2015. Collection method: clinical testing. Allele origin: unknown.

Genome-Nilou Lab
Classification: Benign for Donnai-Barrow syndrome. Last evaluated: 2021-07-15. Review status: criteria provided, single submitter. Criteria: ACMG Guidelines, 2015. Collection method: clinical testing. Allele origin: germline. Affected: no.

GeneDx
Classification: Likely benign. Last evaluated: 2021-05-24. Review status: criteria provided, single submitter. Criteria: GeneDx Variant Classification Process June 2021. Collection method: clinical testing. Allele origin: germline. Affected: yes.
Comment: This variant is associated with the following publications: (PMID: 30900415, 26118977, 31216405)

Baylor Genetics
Classification: Likely benign for Donnai-Barrow syndrome. Last evaluated: 2017-12-31. Review status: criteria provided, single submitter. Criteria: ACMG Guidelines, 2015. Collection method: clinical testing. Allele origin: germline. Affected: yes.
Comment: Reclassification of existing record

Illumina Laboratory Services, Illumina
Classification: Benign for Donnai-Barrow syndrome. Last evaluated: 2017-04-27. Review status: criteria provided, single submitter. Criteria: ICSL Variant Classification Criteria 13 December 2019. Collection method: clinical testing. Allele origin: germline.
Comment: This variant was observed as part of a predisposition screen in an ostensibly healthy population. A literature search was performed for the gene, cDNA change, and amino acid change (where applicable). Publications were found based on this search. The evidence from the literature, in combination with allele frequency data from public databases where available, was sufficient to rule this variant out of causing disease. Therefore, this variant is classified as benign.

Genetic Services Laboratory, University of Chicago
Classification: Likely benign. Last evaluated: 2016-11-10. Review status: criteria provided, single submitter. Criteria: ACMG Guidelines, 2015. Collection method: clinical testing. Allele origin: germline. Affected: no.

Center for Pediatric Genomic Medicine, Children's Mercy Hospital and Clinics
Classification: Likely benign. Last evaluated: 2015-04-13. Review status: criteria provided, single submitter. Criteria: ACMG Guidelines, 2015. Collection method: clinical testing. Allele origin: germline.
ClinVar note: Converted during submission from Likely Benign to Likely benign.

Breakthrough Genomics
Classification: Likely benign. Review status: criteria provided, single submitter. Criteria: ACMG Guidelines, 2015. Collection method: not provided. Allele origin: germline. Inheritance: Autosomal recessive inheritance. Affected: yes.

PreventionGenetics, part of Exact Sciences
Classification: Benign. Review status: criteria provided, single submitter. Criteria: ACMG Guidelines, 2015. Collection method: clinical testing. Allele origin: germline.

Literature cited by the submitters: PubMed 30900415 (cited by Mayo Clinic Laboratories, Mayo Clinic); PubMed 31216405 (cited by Mayo Clinic Laboratories, Mayo Clinic); PubMed 25326635 (cited by Baylor Genetics); PubMed 26118977 (cited by Illumina Laboratory Services, Illumina); PubMed 24876117 (cited by Illumina Laboratory Services, Illumina).